The following is an entry in ClinVar:

ClinVar aggregate classification (germline): Benign/Likely benign. Review status: criteria provided, multiple submitters, no conflicts (2 of 4 stars). 4 submissions from 4 submitters: Benign (3); Likely benign (1). Last evaluated 2026-01-28.

Conditions:
Deficiency of galactokinase. Also called: Galactokinase deficiency with cataracts; GALACTOSEMIA II. Identifiers: Orphanet 352, Orphanet 79237, MedGen C0268155, MONDO:0009255, OMIM 230200.

Allele frequency attached by ClinVar (database versions not stated): gnomAD 0.00410 and 0.00377; TOPMed 0.00445; gnomAD exomes 0.00040 and 0.00089; ExAC 0.00226; 1000 Genomes Project 0.00379; ESP Exome Variant Server 0.00402; 1000 Genomes Project 30x 0.00406.
gnomAD v4.1: 1,173 of 1,592,564 alleles (0.074%); highest among the groups gnomAD compares: African/African-American, 1.4%; 8 homozygotes.

Submissions (4):

Labcorp Genetics (formerly Invitae), Labcorp
Classification: Benign for Deficiency of galactokinase. Last evaluated: 2026-01-28. Review status: criteria provided, single submitter. Criteria: Invitae Variant Classification Sherloc (09022015). Collection method: clinical testing. Allele origin: germline.

Blueprint Genetics
Classification: Likely benign. Last evaluated: 2024-11-12. Review status: criteria provided, single submitter. Criteria: ACMG Guidelines, 2015. Collection method: clinical testing. Allele origin: germline.

Illumina Laboratory Services, Illumina
Classification: Benign for Deficiency of galactokinase. Last evaluated: 2018-01-12. Review status: criteria provided, single submitter. Criteria: ICSL Variant Classification Criteria 13 December 2019. Collection method: clinical testing. Allele origin: germline.
Comment: This variant was observed in the ICSL laboratory as part of a predisposition screen in an ostensibly healthy population. It had not been previously curated by ICSL or reported in the Human Gene Mutation Database (HGMD: prior to June 1st, 2018), and was therefore a candidate for classification through an automated scoring system. Utilizing variant allele frequency, disease prevalence and penetrance estimates, and inheritance mode, an automated score was calculated to assess if this variant is too frequent to cause the disease. Based on the score and internal cut-off values, a variant classified as benign is not then subjected to further curation. The score for this variant resulted in a classification of benign for this disease.

Breakthrough Genomics
Classification: Benign. Review status: criteria provided, single submitter. Criteria: ACMG Guidelines, 2015. Collection method: not provided. Allele origin: germline. Inheritance: Autosomal recessive inheritance. Affected: yes.

NM_000154.2(GALK1):c.957G>A (p.Glu319=)

Gene: GALK1 (galactokinase 1; minus strand). Cytogenetic location: 17q25.1.
Variant type: single nucleotide variant.
Coding change: c.957G>A on transcript NM_000154.2 (MANE Select); coding-DNA position 957, G replaced by A.
Protein change: p.Glu319=; no amino-acid change (glutamic acid 319 retained).
Molecular consequence: synonymous variant.
Genome position (GRCh38, 1-based): chr17:75,758,360, C>T on the plus strand (G>A on the coding strand, the complement: GALK1 is on the minus strand). VCF-style: chr17-75758360-C-T. GRCh37 (hg19) VCF-style: chr17-73754441-C-T.
Identifiers: ClinVar variation 459630 (VCV000459630.21), dbSNP rs76160162, ClinGen allele CA8770770.
Genomic context (GRCh38, chr17:75,758,360, plus strand): 5'-ATAAACCCCAGGCACAGCAAGCGCAGCCTCCACCAGCTGGTCCAGCTCTGGGCAGCTCAC[C>T]TCATAGTCGTCTCTGCAGAGAGGATATTGAAGGGGTGGGCCTGGGCCGGCCTGTGCCCGG-3'
Protein context (NP_000145.1, residues 309-329): ESHRSLRDDY[Glu319=]VSCPELDQLV